The following is an entry in ClinVar:

NM_001029883.3(PCARE):c.*3057C>T

Gene: PCARE (photoreceptor cilium actin regulator; minus strand). Cytogenetic location: 2p23.2.
Variant type: single nucleotide variant.
Coding change: c.*3057C>T on transcript NM_001029883.3 (MANE Select); 3057 bases downstream of the stop codon, C replaced by T.
Molecular consequence: 3 prime UTR variant.
Genome position (GRCh38, 1-based): chr2:29,061,812, G>A on the plus strand (C>T on the coding strand, the complement: PCARE is on the minus strand). VCF-style: chr2-29061812-G-A. GRCh37 (hg19) VCF-style: chr2-29284678-G-A.
Identifiers: ClinVar variation 335569 (VCV000335569.6), dbSNP rs75634215, ClinGen allele CA10615151.
Genomic context (GRCh38, chr2:29,061,812, plus strand): 5'-GTCCTCCCTTCCCCCTTGGGCAAAGGAAGTGGATTTGGCCCAGCAAGGATACCATTCTTG[G>A]GTAGAAGGGAGATGGTGGGCGTGAGCAGCCCTTGTCTGAGAAGCTGTACAGCTGGGTTTG-3'

ClinVar aggregate classification (germline): Benign. Review status: criteria provided, multiple submitters, no conflicts (2 of 4 stars). 2 submissions from 2 submitters: Benign (2). Last evaluated 2018-01-13.

Conditions:
Retinitis pigmentosa (RP). Identifiers: Orphanet 791, MedGen C0035334, MeSH D012174, MONDO:0019200, OMIM 268000. Inheritance: Autosomal dominant, autosomal recessive and X linked inheritance.

Allele frequency attached by ClinVar (database versions not stated): gnomAD 0.04854 and 0.04935; TOPMed 0.05152; 1000 Genomes Project 0.07208; 1000 Genomes Project 30x 0.07245.

Submissions (2):

Illumina Laboratory Services, Illumina
Classification: Benign for Retinitis pigmentosa. Last evaluated: 2018-01-13. Review status: criteria provided, single submitter. Criteria: ICSL Variant Classification Criteria 13 December 2019. Collection method: clinical testing. Allele origin: germline.
Comment: This variant was observed in the ICSL laboratory as part of a predisposition screen in an ostensibly healthy population. It had not been previously curated by ICSL or reported in the Human Gene Mutation Database (HGMD: prior to June 1st, 2018), and was therefore a candidate for classification through an automated scoring system. Utilizing variant allele frequency, disease prevalence and penetrance estimates, and inheritance mode, an automated score was calculated to assess if this variant is too frequent to cause the disease. Based on the score and internal cut-off values, a variant classified as benign is not then subjected to further curation. The score for this variant resulted in a classification of benign for this disease.

Breakthrough Genomics
Classification: Benign. Review status: criteria provided, single submitter. Criteria: ACMG Guidelines, 2015. Collection method: not provided. Allele origin: germline. Inheritance: Unknown mechanism. Affected: yes.